The following is an entry in ClinVar:

ClinVar aggregate classification (germline): Pathogenic (1 of 4 stars; one submission).

Allele frequency attached by ClinVar (database versions not stated): gnomAD exomes below 0.00001.

Submission:

Labcorp Genetics (formerly Invitae), Labcorp
Classification: Pathogenic. Last evaluated: 2023-08-17. Review status: criteria provided, single submitter. Criteria: Invitae Variant Classification Sherloc (09022015). Collection method: clinical testing. Allele origin: germline.
Comment: This sequence change creates a premature translational stop signal (p.Lys551Thrfs*2) in the PDE6A gene. It is expected to result in an absent or disrupted protein product. Loss-of-function variants in PDE6A are known to be pathogenic (PMID: 7493036, 22128245, 23847139). This variant is present in population databases (no rsID available, gnomAD 0.003%). This variant has not been reported in the literature in individuals affected with PDE6A-related conditions. ClinVar contains an entry for this variant (Variation ID: 1071791). For these reasons, this variant has been classified as Pathogenic.

Literature cited by the submitters: PubMed 7493036; PubMed 22128245; PubMed 23847139.

NM_000440.3(PDE6A):c.1651_1652insCATG (p.Lys551delinsThrTer)

Gene: PDE6A (phosphodiesterase 6A; minus strand). Cytogenetic location: 5q32.
Variant type: Insertion.
Coding change: c.1651_1652insCATG on transcript NM_000440.3 (MANE Select); coding-DNA positions 1651 to 1652, CATG inserted.
Protein change: p.Lys551delinsThrTer.
Molecular consequence: nonsense.
Genome position: GRCh38 VCF-style: chr5-149895259-T-TCATG. GRCh37 (hg19) VCF-style: chr5-149274822-T-TCATG.
Identifiers: ClinVar variation 1071791 (VCV001071791.7), dbSNP rs1295637847, ClinGen allele CA563559224.